The following is an entry in ClinVar:

ClinVar aggregate classification (germline): Conflicting classifications of pathogenicity. Review status: criteria provided, conflicting classifications (1 of 4 stars). 6 submissions from 6 submitters: Uncertain significance (1); Likely benign (4). 1 of the submissions does not count toward it. Last evaluated 2026-02-01.

Conditions:
CDT1-related disorder. Also called: CDT1-related condition.
Meier-Gorlin syndrome 4 (MGORS4). Identifiers: Orphanet 2554, MedGen C3151120, MONDO:0013431, OMIM 613804.

Allele frequency attached by ClinVar (database versions not stated): 1000 Genomes Project 0.00140; 1000 Genomes Project 30x 0.00156; ExAC 0.00236; gnomAD exomes 0.00237 and 0.00403; gnomAD 0.00279 and 0.00292; TOPMed 0.00294; ESP Exome Variant Server 0.00362.

Submissions (16):

Labcorp Genetics (formerly Invitae), Labcorp
Classification: Likely benign. Last evaluated: 2026-02-01. Review status: criteria provided, single submitter. Criteria: Invitae Variant Classification Sherloc (09022015). Collection method: clinical testing. Allele origin: germline.

CeGaT Center for Human Genetics Tuebingen
Classification: Likely benign. Last evaluated: 2026-01-01. Review status: criteria provided, single submitter. Criteria: CeGaT Center For Human Genetics Tuebingen Variant Classification Criteria Version 2. Collection method: clinical testing. Allele origin: germline. Affected: yes. Observed: 7 variant alleles.
Comment: CDT1: BP4, BS2

Blueprint Genetics
Classification: Likely benign. Last evaluated: 2024-11-13. Review status: criteria provided, single submitter. Criteria: ACMG Guidelines, 2015. Collection method: clinical testing. Allele origin: germline.

Genetic Services Laboratory, University of Chicago
Classification: Likely benign. Last evaluated: 2021-03-08. Review status: criteria provided, single submitter. Criteria: ACMG Guidelines, 2015. Collection method: clinical testing. Allele origin: germline. Affected: no.

Fulgent Genetics
Classification: Uncertain significance for Meier-Gorlin syndrome 4. Last evaluated: 2018-10-31. Review status: criteria provided, single submitter. Criteria: ACMG Guidelines, 2015. Collection method: clinical testing. Allele origin: unknown.

PreventionGenetics, part of Exact Sciences
Classification: Likely benign for CDT1-related condition. Last evaluated: 2023-10-17. Review status: no assertion criteria provided. Collection method: clinical testing. Allele origin: germline. Not counted in ClinVar's aggregate classification.
Comment: This variant is classified as likely benign based on ACMG/AMP sequence variant interpretation guidelines (Richards et al. 2015 PMID: 25741868, with internal and published modifications).

Dr. Peter K. Rogan Lab, Western University
No classification provided (evidence only). Condition: Melanoma. Review status: no classification provided. Collection method: in vitro. Allele origin: not applicable. Functional consequence: retained intron. Not counted in ClinVar's aggregate classification.

Dr. Peter K. Rogan Lab, Western University
No classification provided (evidence only). Condition: Melanoma. Review status: no classification provided. Collection method: in vitro. Allele origin: not applicable. Functional consequence: retained intron. Not counted in ClinVar's aggregate classification.

Dr. Peter K. Rogan Lab, Western University
No classification provided (evidence only). Condition: Cervical cancer. Review status: no classification provided. Collection method: in vitro. Allele origin: not applicable. Functional consequence: retained intron. Not counted in ClinVar's aggregate classification.

Dr. Peter K. Rogan Lab, Western University
No classification provided (evidence only). Condition: Sarcoma. Review status: no classification provided. Collection method: in vitro. Allele origin: not applicable. Functional consequence: retained intron. Not counted in ClinVar's aggregate classification.

Dr. Peter K. Rogan Lab, Western University
No classification provided (evidence only). Condition: Hepatocellular carcinoma. Review status: no classification provided. Collection method: in vitro. Allele origin: not applicable. Functional consequence: retained intron. Not counted in ClinVar's aggregate classification.

Dr. Peter K. Rogan Lab, Western University
No classification provided (evidence only). Condition: Ovarian serous cystadenocarcinoma. Review status: no classification provided. Collection method: in vitro. Allele origin: not applicable. Functional consequence: retained intron. Not counted in ClinVar's aggregate classification.

Dr. Peter K. Rogan Lab, Western University
No classification provided (evidence only). Condition: Ovarian serous cystadenocarcinoma. Review status: no classification provided. Collection method: in vitro. Allele origin: not applicable. Functional consequence: retained intron. Not counted in ClinVar's aggregate classification.

Dr. Peter K. Rogan Lab, Western University
No classification provided (evidence only). Condition: Ovarian serous cystadenocarcinoma. Review status: no classification provided. Collection method: in vitro. Allele origin: not applicable. Functional consequence: retained intron. Not counted in ClinVar's aggregate classification.

Dr. Peter K. Rogan Lab, Western University
No classification provided (evidence only). Condition: Gastric cancer. Review status: no classification provided. Collection method: in vitro. Allele origin: not applicable. Functional consequence: retained intron. Not counted in ClinVar's aggregate classification.

Dr. Peter K. Rogan Lab, Western University
No classification provided (evidence only). Condition: Malignant tumor of esophagus. Review status: no classification provided. Collection method: in vitro. Allele origin: not applicable. Functional consequence: retained intron. Not counted in ClinVar's aggregate classification.

NM_030928.4(CDT1):c.613G>A (p.Gly205Ser)

Gene: CDT1 (chromatin licensing and DNA replication factor 1; plus strand). Cytogenetic location: 16q24.3.
Variant type: single nucleotide variant.
Coding change: c.613G>A on transcript NM_030928.4 (MANE Select); coding-DNA position 613, G replaced by A.
Protein change: p.Gly205Ser; replaces glycine 205 with serine.
Molecular consequence: missense variant.
Genome position (GRCh38, 1-based): chr16:88,805,564, G>A. VCF-style: chr16-88805564-G-A. GRCh37 (hg19) VCF-style: chr16-88871972-G-A.
Other names: short protein forms G205S.
Identifiers: ClinVar variation 434673 (VCV000434673.53), dbSNP rs145552478, ClinGen allele CA8233725.